The following is an entry in ClinVar:

NM_001184880.2(PCDH19):c.498C>A (p.Tyr166Ter)

Gene: PCDH19 (protocadherin 19; minus strand). Cytogenetic location: Xq22.1.
Variant type: single nucleotide variant.
Coding change: c.498C>A on transcript NM_001184880.2 (MANE Select); coding-DNA position 498, C replaced by A.
Protein change: p.Tyr166Ter; replaces tyrosine 166 with a stop codon.
Molecular consequence: nonsense.
Genome position (GRCh38, 1-based): chrX:100,408,100, G>T on the plus strand (C>A on the coding strand, the complement: PCDH19 is on the minus strand). VCF-style: chrX-100408100-G-T. GRCh37 (hg19) VCF-style: chrX-99663098-G-T.
Other names: c.498C>A, p.Tyr166Ter (NM_001105243.2, NM_020766.3); short protein forms Y166*.
Identifiers: ClinVar variation 589938 (VCV000589938.8), dbSNP rs796052837, ClinGen allele CA414009497.

ClinVar aggregate classification (germline): Pathogenic. Review status: criteria provided, multiple submitters, no conflicts (2 of 4 stars). 3 submissions from 3 submitters: Pathogenic (3). Last evaluated 2022-08-16.

Conditions:
Inborn genetic diseases. Identifiers: MedGen C0950123, MeSH D030342.
Developmental and epileptic encephalopathy, 9 (DEE9). Also called: Early infantile epileptic encephalopathy 9; EPILEPSY, FEMALE-RESTRICTED, WITH MENTAL RETARDATION; JUBERG-HELLMAN SYNDROME; PCDH19-Related X-Linked Female-Limited Epilepsy with Mental Retardation. Identifiers: Orphanet 101039, Orphanet 2076, MedGen C1848137, MONDO:0010246, OMIM 300088. Disease mechanism: loss of function.

Submissions (3):

GeneDx
Classification: Pathogenic. Last evaluated: 2022-08-16. Review status: criteria provided, single submitter. Criteria: GeneDx Variant Classification Process June 2021. Collection method: clinical testing. Allele origin: germline. Affected: yes.
Comment: Nonsense variant predicted to result in protein truncation or nonsense mediated decay in a gene for which loss of function is a known mechanism of disease; Not observed at significant frequency in large population cohorts (gnomAD); Has not been previously published as pathogenic or benign to our knowledge; This variant is associated with the following publications: (PMID: 23712037, 32425876, 31928905)

Mendelics
Classification: Pathogenic for Developmental and epileptic encephalopathy, 9. Last evaluated: 2019-05-28. Review status: criteria provided, single submitter. Criteria: Mendelics Assertion Criteria 2017. Collection method: clinical testing. Allele origin: unknown.

Ambry Genetics
Classification: Pathogenic for Inborn genetic diseases. Last evaluated: 2016-10-05. Review status: criteria provided, single submitter. Criteria: Ambry Variant Classification Scheme 2023. Collection method: clinical testing. Allele origin: germline.
Comment: The p.Y166* pathogenic mutation (also known as c.498C>A), located in coding exon 1 of the PCDH19 gene, results from a C to A substitution at nucleotide position 498. This changes the amino acid from a tyrosine to a stop codon within coding exon 1. In addition to the clinical data presented in the literature, this alteration is expected to result in loss of function by premature protein truncation or nonsense-mediated mRNA decay. As such, this alteration is interpreted as a disease-causing mutation.

Literature cited by the submitters: PubMed 23712037 (cited by Ambry Genetics).